The following is an entry in ClinVar:

ClinVar aggregate classification (germline): Likely benign (0 of 4 stars; one submission).

Conditions:
CASP9-related disorder. Also called: CASP9-related condition.

Allele frequency attached by ClinVar (database versions not stated): TOPMed 0.00012; gnomAD 0.00019; ESP Exome Variant Server 0.00023.
gnomAD v4.1: 235 of 1,593,862 alleles (0.015%); highest among the groups gnomAD compares: Non-Finnish European, 0.02%; no homozygotes.

Submissions (2):

PreventionGenetics, part of Exact Sciences
Classification: Likely benign for CASP9-related condition. Last evaluated: 2019-06-21. Review status: no assertion criteria provided. Collection method: clinical testing. Allele origin: germline.
Comment: This variant is classified as likely benign based on ACMG/AMP sequence variant interpretation guidelines (Richards et al. 2015 PMID: 25741868, with internal and published modifications).

Dr. Peter K. Rogan Lab, Western University
No classification provided (evidence only). Condition: Cervical cancer. Review status: no classification provided. Collection method: in vitro. Allele origin: not applicable. Functional consequence: skipped exon. Not counted in ClinVar's aggregate classification.

NM_001229.5(CASP9):c.1152G>C (p.Leu384=)

Gene: CASP9 (caspase 9; minus strand). Cytogenetic location: 1p36.21.
Variant type: single nucleotide variant.
Coding change: c.1152G>C on transcript NM_001229.5 (MANE Select); coding-DNA position 1152, G replaced by C.
Protein change: p.Leu384=; no amino-acid change (leucine 384 retained).
Molecular consequence: synonymous variant. On other transcripts: non-coding transcript variant (2).
Genome position (GRCh38, 1-based): chr1:15,493,898, C>G on the plus strand (G>C on the coding strand, the complement: CASP9 is on the minus strand). VCF-style: chr1-15493898-C-G. GRCh37 (hg19) VCF-style: chr1-15820393-C-G.
Other names: NC_000001.10:g.15820393C>G; c.702G>C, p.Leu234= (NM_001278054.2); c.903G>C, p.Leu301= (NM_032996.3).
Identifiers: ClinVar variation 3043218 (VCV003043218.3), dbSNP rs139525345, ClinGen allele CA614368.